The following is an entry in ClinVar:

ClinVar aggregate classification (germline): Uncertain significance (1 of 4 stars; one submission).

Conditions:
Atrial fibrillation, familial, 6 (ATFB6). Identifiers: MedGen C2677294, MONDO:0012816, OMIM 612201.

Submission:

Labcorp Genetics (formerly Invitae), Labcorp
Classification: Uncertain significance for Atrial fibrillation, familial, 6. Last evaluated: 2022-09-22. Review status: criteria provided, single submitter. Criteria: Invitae Variant Classification Sherloc (09022015). Collection method: clinical testing. Allele origin: germline.
Comment: In summary, the available evidence is currently insufficient to determine the role of this variant in disease. Therefore, it has been classified as a Variant of Uncertain Significance. Experimental studies and prediction algorithms are not available or were not evaluated, and the functional significance of this variant is currently unknown. ClinVar contains an entry for this variant (Variation ID: 1366790). This variant has not been reported in the literature in individuals affected with NPPA-related conditions. This variant is not present in population databases (gnomAD no frequency). This variant, c.13_15del, results in the deletion of 1 amino acid(s) of the NPPA protein (p.Ser5del), but otherwise preserves the integrity of the reading frame.

NM_006172.4(NPPA):c.13_15del (p.Ser5del)

Genes: NPPA (natriuretic peptide A; minus strand), LOC114827827 (VISTA enhancer hs2123; plus strand). Cytogenetic location: 1p36.22.
Variant type: Deletion.
Coding change: c.13_15del on transcript NM_006172.4 (MANE Select); coding-DNA positions 13 to 15, 3 bases deleted (TCC; older notation c.13_15delTCC).
Protein change: p.Ser5del; deletes serine 5.
Molecular consequence: inframe deletion.
Genome position (GRCh38, 1-based): chr1:11,847,670-11,847,672, GGA deleted on the plus strand (TCC on the coding strand, the reverse complement: NPPA is on the minus strand); deleting any 3 consecutive bases within chr1:11,847,670-11,847,673 gives the same sequence; the c. name uses the placement nearest the transcript's 3' end. VCF-style (leftmost placement, unchanged base first): chr1-11847669-TGGA-T. GRCh37 (hg19) VCF-style: chr1-11907726-TGGA-T.
Other names: short protein forms S5del.
Identifiers: ClinVar variation 1366790 (VCV001366790.7), dbSNP rs1481052479, ClinGen allele CA886105901.